The following is an entry in ClinVar:

NM_004985.5(KRAS):c.*4059A>G

Gene: KRAS (KRas proto-oncogene, GTPase; minus strand). Cytogenetic location: 12p12.1.
Variant type: single nucleotide variant.
Coding change: c.*4059A>G on transcript NM_004985.5 (MANE Select); 4059 bases downstream of the stop codon, A replaced by G.
Molecular consequence: 3 prime UTR variant.
Genome position (GRCh38, 1-based): chr12:25,205,736, T>C on the plus strand (A>G on the coding strand, the complement: KRAS is on the minus strand). VCF-style: chr12-25205736-T-C. GRCh37 (hg19) VCF-style: chr12-25358670-T-C.
Other names: c.*4180A>G (NM_001369786.1, NM_033360.4); c.*4059A>G (NM_001369787.1).
Identifiers: ClinVar variation 2642795 (VCV002642795.24), dbSNP rs931270212, ClinGen allele CA234204251.

ClinVar aggregate classification (germline): Likely benign (1 of 4 stars; one submission).

Allele frequency attached by ClinVar (database versions not stated): gnomAD exomes 0.00061; TOPMed 0.00063; gnomAD 0.00067.
gnomAD v4.1: 141 of 215,774 alleles (0.065%); highest among the groups gnomAD compares: Middle Eastern, 0.29%; no homozygotes.

Submission:

CeGaT Center for Human Genetics Tuebingen
Classification: Likely benign. Last evaluated: 2022-12-01. Review status: criteria provided, single submitter. Criteria: CeGaT Center For Human Genetics Tuebingen Variant Classification Criteria Version 2. Collection method: clinical testing. Allele origin: germline. Affected: yes. Observed: 4 variant alleles.
Comment: KRAS: BS1